The following is an entry in ClinVar:

ClinVar aggregate classification (germline): Uncertain significance. Review status: criteria provided, multiple submitters, no conflicts (2 of 4 stars). 2 submissions from 2 submitters: Uncertain significance (2). Last evaluated 2024-03-06.

Conditions:
Vitamin D hydroxylation-deficient rickets, type 1B. Also called: Rickets due to Defect in Vitamin D 25-hydroxylation; PSEUDOVITAMIN D3 DEFICIENCY RICKETS DUE TO 25-HYDROXYLASE DEFICIENCY; VITAMIN D-DEPENDENT RICKETS, TYPE 1B. Identifiers: Orphanet 289157, MedGen C1838657, MONDO:0010810, OMIM 600081.

Allele frequency attached by ClinVar (database versions not stated): gnomAD exomes below 0.00001 and 0.00001; TOPMed 0.00002; gnomAD 0.00002.
gnomAD v4.1: 11 of 1,613,296 alleles (0.00068%); highest among the groups gnomAD compares: Non-Finnish European, 0.00076%; no homozygotes.

Submissions (2):

Fulgent Genetics
Classification: Uncertain significance for Vitamin D hydroxylation-deficient rickets, type 1B. Last evaluated: 2024-03-06. Review status: criteria provided, single submitter. Criteria: ACMG Guidelines, 2015. Collection method: clinical testing. Allele origin: germline.

GeneDx
Classification: Uncertain significance. Last evaluated: 2019-12-24. Review status: criteria provided, single submitter. Criteria: GeneDx Variant Classification Process June 2021. Collection method: clinical testing. Allele origin: germline. Affected: yes.
Comment: Not observed at a significant frequency in large population cohorts (Lek et al., 2016); In silico analysis, which includes protein predictors and evolutionary conservation, supports that this variant does not alter protein structure/function; Has not been previously published as pathogenic or benign to our knowledge

NM_024514.5(CYP2R1):c.577C>A (p.Leu193Met)

Genes: CYP2R1 (cytochrome P450 family 2 subfamily R member 1; minus strand), PDE3B (phosphodiesterase 3B; plus strand). Cytogenetic location: 11p15.2.
Variant type: single nucleotide variant.
Coding change: c.577C>A on transcript NM_024514.5 (MANE Select); coding-DNA position 577, C replaced by A.
Protein change: p.Leu193Met; replaces leucine 193 with methionine.
Molecular consequence: missense variant.
Genome position (GRCh38, 1-based): chr11:14,880,559, G>T on the plus strand (C>A on the coding strand, the complement: CYP2R1 is on the minus strand). VCF-style: chr11-14880559-G-T. GRCh37 (hg19) VCF-style: chr11-14902105-G-T.
Other names: c.415C>A, p.Leu139Met (NM_001377217.1); c.232C>A, p.Leu78Met (NM_001377227.1, NM_001377214.1, NM_001377215.1 and 1 more transcripts); short protein forms L139M, L193M, L78M.
Identifiers: ClinVar variation 1310664 (VCV001310664.3), dbSNP rs1269319852, ClinGen allele CA379748801.